The following is an entry in ClinVar:

NC_000007.13:g.(?_100411521)_(100424652_?)del

Gene: EPHB4 (EPH receptor B4; minus strand). Cytogenetic location: 7q22.1.
Variant type: Deletion.
Identifiers: ClinVar variation 1455974 (VCV001455974.4).

ClinVar aggregate classification (germline): Pathogenic (1 of 4 stars; one submission).

Submission:

Labcorp Genetics (formerly Invitae), Labcorp
Classification: Pathogenic. Last evaluated: 2021-10-02. Review status: criteria provided, single submitter. Criteria: Invitae Variant Classification Sherloc (09022015). Collection method: clinical testing. Allele origin: germline.
Comment: For these reasons, this variant has been classified as Pathogenic. This variant has not been reported in the literature in individuals affected with EPHB4-related conditions. This variant is a gross deletion of the genomic region encompassing exon(s) 1-9 of the EPHB4 gene, which includes the initiator codon. This deletion extends beyond the assayed region for this gene and therefore may encompass additional genes. It is expected to result in an absent or disrupted protein product. Loss-of-function variants in EPHB4 are known to be pathogenic (PMID: 28687708).

Literature cited by the submitters: PubMed 28687708.